The following is an entry in ClinVar:

ClinVar aggregate classification (germline): Pathogenic. Review status: criteria provided, multiple submitters, no conflicts (2 of 4 stars). 2 submissions from 2 submitters: Pathogenic (2). Last evaluated 2025-09-21.

Conditions:
Finnish congenital nephrotic syndrome (NPHS1). Also called: NEPHROTIC SYNDROME, TYPE 1. Identifiers: Orphanet 839, MedGen C0403399, MONDO:0009732, OMIM 256300.

Submissions (2):

Natera, Inc.
Classification: Pathogenic for Finnish congenital nephrotic syndrome. Last evaluated: 2025-09-21. Review status: criteria provided, single submitter. Criteria: Natera Variant Classification Schema (03/2026). Collection method: clinical testing. Allele origin: germline.
Comment: The c.1235delG variant in NPHS1 is a frameshift variant predicted to shift the reading frame beginning at codon 412 and leads to a stop codon 2 codons downstream. This variant is expected to result in nonsense mediated decay, truncation, or a dysfunctional protein product. This variant is rare in the general population with a frequency below the threshold expected for the associated phenotype(s). This variant has been observed in one or more individuals affected with the associated recessive disease, as either homozygous or compound heterozygous with a second variant (PMID: 28780565). Given the available evidence, this variant is classified as Pathogenic.

Labcorp Genetics (formerly Invitae), Labcorp
Classification: Pathogenic. Last evaluated: 2023-11-19. Review status: criteria provided, single submitter. Criteria: Invitae Variant Classification Sherloc (09022015). Collection method: clinical testing. Allele origin: germline.
Comment: This sequence change creates a premature translational stop signal (p.Gly412Valfs*2) in the NPHS1 gene. It is expected to result in an absent or disrupted protein product. Loss-of-function variants in NPHS1 are known to be pathogenic (PMID: 11317351, 11854170, 12039988). This variant is not present in population databases (gnomAD no frequency). This premature translational stop signal has been observed in individual(s) with congenital nephrotic syndrome (PMID: 28780565). ClinVar contains an entry for this variant (Variation ID: 843023). For these reasons, this variant has been classified as Pathogenic.

Literature cited by the submitters: PubMed 28780565 (cited by Natera, Inc. and Labcorp Genetics (formerly Invitae), Labcorp); PubMed 11317351 (cited by Labcorp Genetics (formerly Invitae), Labcorp); PubMed 11854170 (cited by Labcorp Genetics (formerly Invitae), Labcorp); PubMed 12039988 (cited by Labcorp Genetics (formerly Invitae), Labcorp).

NM_004646.4(NPHS1):c.1235del (p.Gly412fs)

Gene: NPHS1 (NPHS1 adhesion molecule, nephrin; minus strand). Cytogenetic location: 19q13.12.
Variant type: Deletion.
Coding change: c.1235del on transcript NM_004646.4 (MANE Select); coding-DNA position 1235, one base deleted (G; older notation c.1235delG).
Protein change: p.Gly412fs; shifts the reading frame from glycine 412.
Molecular consequence: frameshift variant.
Genome position (GRCh38, 1-based): chr19:35,848,333, C deleted on the plus strand (G on the coding strand, the reverse complement: NPHS1 is on the minus strand); the first of 2 consecutive C bases (chr19:35,848,333-35,848,334); deleting either gives the same sequence. VCF-style (leftmost placement, unchanged base first): chr19-35848332-AC-A. GRCh37 (hg19) VCF-style: chr19-36339234-AC-A.
Other names: short protein forms G412fs.
Identifiers: ClinVar variation 843023 (VCV000843023.15), dbSNP rs1161720919, ClinGen allele CA881819541.
Genomic context (GRCh38, chr19:35,848,332, plus strand): 5'-CGACTTCTTGAAGGTCTCCTTGGTGAAGGCTTCACTGAAGGCCTCACATGTGAGGGTCAG[AC>A]CGTTGTCCTCCCGCCGCGCCAGGAATGTCAGGTTGGACATGGAGATGTGACCGCCATGCA-3'